The following is an entry in ClinVar:

ClinVar aggregate classification (germline): Pathogenic. Review status: criteria provided, multiple submitters, no conflicts (2 of 4 stars). 2 submissions from 2 submitters: Pathogenic (2). Last evaluated 2020-01-02.

Conditions:
Wiedemann-Steiner syndrome (WDSTS). Also called: Growth deficiency and mental retardation with facial dysmorphism. Identifiers: Orphanet 319182, MedGen C1854630, MONDO:0011518, OMIM 605130.

Submissions (2):

Genomic Medicine Lab, University of California San Francisco
Classification: Pathogenic for Wiedemann-Steiner syndrome. Last evaluated: 2020-01-02. Review status: criteria provided, single submitter. Criteria: ACMG Guidelines, 2015. Collection method: clinical testing. Allele origin: de novo. Inheritance: Autosomal dominant inheritance. Affected: yes. Study: CSER-P3EGS.

GeneDx
Classification: Pathogenic. Last evaluated: 2017-03-27. Review status: criteria provided, single submitter. Criteria: GeneDx Variant Classification (06012015). Collection method: clinical testing. Allele origin: germline. Affected: yes.
Comment: The C1448Y variant in the KMT2A gene has not been reported previously as a pathogenic variant nor as a benign variant, to our knowledge. The C1448Y variant is not observed in large population cohorts (Lek et al., 2016; 1000 Genomes Consortium et al., 2015; Exome Variant Server). The C1448Y variant is a non-conservative amino acid substitution, which is likely to impact secondary protein structure as these residues differ in polarity, charge, size and/or other properties. This substitution occurs at a position that is conserved across species. In silico analysis predicts this variant is probably damaging to the protein structure/function. A different missense variant in the same residue (C1448R) has been reported in the de novo state in an individual with atypical Wiedemann-Steiner syndrome (Strom et al., 2014), supporting the functional importance of this residue. We interpret C1448Y as a pathogenic variant.

NM_001197104.2(KMT2A):c.4343G>A (p.Cys1448Tyr)

Gene: KMT2A (lysine methyltransferase 2A; plus strand). Cytogenetic location: 11q23.3.
Variant type: single nucleotide variant.
Coding change: c.4343G>A on transcript NM_001197104.2 (MANE Select); coding-DNA position 4343, G replaced by A.
Protein change: p.Cys1448Tyr; replaces cysteine 1448 with tyrosine.
Molecular consequence: missense variant.
Genome position (GRCh38, 1-based): chr11:118,488,624, G>A. VCF-style: chr11-118488624-G-A. GRCh37 (hg19) VCF-style: chr11-118359339-G-A.
Other names: c.4343G>A, p.Cys1448Tyr (NM_005933.4); short protein forms C1448Y.
Identifiers: ClinVar variation 426928 (VCV000426928.4), dbSNP rs1085307857, ClinGen allele CA382831726.